The following is an entry in ClinVar:

ClinVar aggregate classification (germline): Likely benign (1 of 4 stars; one submission).

Allele frequency attached by ClinVar (database versions not stated): 1000 Genomes Project 30x 0.01359; 1000 Genomes Project 0.01438; TOPMed 0.02340; gnomAD 0.02373 and 0.02408.
gnomAD v4.1: 3,639 of 152,194 alleles (2.4%); highest among the groups gnomAD compares: Middle Eastern, 4.4%; 65 homozygotes.

Submission:

GeneDx
Classification: Likely benign. Last evaluated: 2018-06-19. Review status: criteria provided, single submitter. Criteria: GeneDx Variant Classification (06012015). Collection method: clinical testing. Allele origin: germline. Affected: yes.
Comment: This variant is considered likely benign or benign based on one or more of the following criteria: it is a conservative change, it occurs at a poorly conserved position in the protein, it is predicted to be benign by multiple in silico algorithms, and/or has population frequency not consistent with disease.

NM_001134831.2(AHI1):c.2765-299A>G

Gene: AHI1 (Abelson helper integration site 1; minus strand). Cytogenetic location: 6q23.3.
Variant type: single nucleotide variant.
Coding change: c.2765-299A>G on transcript NM_001134831.2 (MANE Select); 299 bases into the intron before coding-DNA position 2765, A replaced by G.
Molecular consequence: intron variant.
Genome position (GRCh38, 1-based): chr6:135,411,843, T>C on the plus strand (A>G on the coding strand, the complement: AHI1 is on the minus strand). VCF-style: chr6-135411843-T-C. GRCh37 (hg19) VCF-style: chr6-135732981-T-C.
Other names: c.2765-299A>G (NM_001134830.2, NM_001350503.2, NM_017651.5 and 2 more transcripts).
Identifiers: ClinVar variation 674035 (VCV000674035.1), dbSNP rs76916464, ClinGen allele CA148543602.